The following is an entry in ClinVar:

ClinVar aggregate classification (germline): Uncertain significance (1 of 4 stars; one submission).

Conditions:
Dilated cardiomyopathy 1G (CMD1G). Identifiers: Orphanet 154, MedGen C1858763, MONDO:0011400, OMIM 604145.
Autosomal recessive limb-girdle muscular dystrophy type 2J (LGMDR10). Also called: Limb-girdle muscular dystrophy, type 2J; MUSCULAR DYSTROPHY, LIMB-GIRDLE, AUTOSOMAL RECESSIVE 10. Identifiers: Orphanet 140922, MedGen C1837342, MONDO:0012127, OMIM 608807.

Submission:

Labcorp Genetics (formerly Invitae), Labcorp
Classification: Uncertain significance for Dilated cardiomyopathy 1G; Autosomal recessive limb-girdle muscular dystrophy type 2J. Last evaluated: 2025-12-19. Review status: criteria provided, single submitter. Criteria: Invitae Variant Classification Sherloc (09022015). Collection method: clinical testing. Allele origin: germline.
Comment: This sequence change replaces threonine, which is neutral and polar, with alanine, which is neutral and non-polar, at codon 34730 of the TTN protein (p.Thr34730Ala). This variant is not present in population databases (gnomAD no frequency). This variant has not been observed in the literature in individuals with autosomal recessive TTN-related conditions. This variant has been reported in individual(s) with dilated cardiomyopathy (PMID: 36270069); however, the role of the variant in this condition is currently unclear. ClinVar contains an entry for this variant (Variation ID: 958502). Experimental studies and prediction algorithms are not available or were not evaluated, and the functional significance of this variant is currently unknown. This variant is located in the M band of TTN (PMID: 25589632). Non-truncating variants in this region may be relevant for neuromuscular disorders, but have not been definitively shown to cause cardiomyopathy (PMID: 23975875). In summary, the available evidence is currently insufficient to determine the role of this variant in disease. Therefore, it has been classified as a Variant of Uncertain Significance.

Literature cited by the submitters: PubMed 36270069; PubMed 25589632; PubMed 23975875.

NM_001267550.2(TTN):c.104188A>G (p.Thr34730Ala)

Genes: TTN-AS1 (TTN antisense RNA 1; plus strand), TTN (titin; minus strand). Cytogenetic location: 2q31.2.
Variant type: single nucleotide variant.
Coding change: c.104188A>G on transcript NM_001267550.2 (MANE Select); coding-DNA position 104188, A replaced by G.
Protein change: p.Thr34730Ala; replaces threonine 34730 with alanine.
Molecular consequence: missense variant.
Genome position (GRCh38, 1-based): chr2:178,532,427, T>C on the plus strand (A>G on the coding strand, the complement: TTN is on the minus strand). VCF-style: chr2-178532427-T-C. GRCh37 (hg19) VCF-style: chr2-179397154-T-C.
Other names: c.99265A>G, p.Thr33089Ala (NM_001256850.1); c.76993A>G, p.Thr25665Ala (NM_003319.4); c.96484A>G, p.Thr32162Ala (NM_133378.4); c.77368A>G, p.Thr25790Ala (NM_133432.3); c.77569A>G, p.Thr25857Ala (NM_133437.4); short protein forms T34730A, T25857A, T32162A, T25790A, T25665A, T33089A.
Identifiers: ClinVar variation 958502 (VCV000958502.10), dbSNP rs949998241, ClinGen allele CA60956405.
Genomic context (GRCh38, chr2:178,532,427, plus strand): 5'-GCCGTTCCCTCAGTTCTGCATAACTTGTACTAGCTTCAGCCTTCGTTGGGATGTGATAGG[T>C]TGAATACCTGAAGTCTTTTCTTGTTTCCTCCACCTTGACATGAGCTTGTGGTGAAGAGTA-3'
Protein context (NP_001254479.2, residues 34720-34740): EETRKDFRYS[Thr34730Ala]YHIPTKAEAS